The following is an entry in ClinVar:

NM_006218.4(PIK3CA):c.464A>G (p.Asp155Gly)

Gene: PIK3CA (phosphatidylinositol-4,5-bisphosphate 3-kinase catalytic subunit alpha; plus strand). Cytogenetic location: 3q26.32.
Variant type: single nucleotide variant.
Coding change: c.464A>G on transcript NM_006218.4 (MANE Select); coding-DNA position 464, A replaced by G.
Protein change: p.Asp155Gly; replaces aspartic acid 155 with glycine.
Molecular consequence: missense variant.
Genome position (GRCh38, 1-based): chr3:179,199,801, A>G. VCF-style: chr3-179199801-A-G. GRCh37 (hg19) VCF-style: chr3-178917589-A-G.
Other names: short protein forms D155G.
Identifiers: ClinVar variation 3306590 (VCV003306590.1).
Genomic context (GRCh38, chr3:179,199,801, plus strand): 5'-AAGTACAGGACTTCCGAAGAAATATTCTGAACGTTTGTAAAGAAGCTGTGGATCTTAGGG[A>G]CCTCAATTCACCTCATAGTAGAGCAATGTATGTCTATCCTCCAAATGTAGAATCTTCACC-3'
Protein context (NP_006209.2, residues 145-165): NVCKEAVDLR[Asp155Gly]LNSPHSRAMY

ClinVar aggregate classification (germline): Uncertain significance (1 of 4 stars; one submission).

Conditions:
Inborn genetic diseases. Identifiers: MedGen C0950123, MeSH D030342.

Submission:

Ambry Genetics
Classification: Uncertain significance for Inborn genetic diseases. Last evaluated: 2024-04-22. Review status: criteria provided, single submitter. Criteria: Ambry Variant Classification Scheme 2023. Collection method: clinical testing. Allele origin: germline.
Comment: The p.D155G variant (also known as c.464A>G), located in coding exon 2 of the PIK3CA gene, results from an A to G substitution at nucleotide position 464. The aspartic acid at codon 155 is replaced by glycine, an amino acid with similar properties. This amino acid position is conserved. In addition, the in silico prediction for this alteration is inconclusive. Based on the available evidence, the clinical significance of this variant remains unclear.